The following is an entry in ClinVar:

ClinVar aggregate classification (germline): Conflicting classifications of pathogenicity. Review status: criteria provided, conflicting classifications (1 of 4 stars). 3 submissions from 3 submitters: Uncertain significance (1); Likely benign (2). Last evaluated 2025-01-13.

Conditions:
Hereditary cancer-predisposing syndrome. Also called: Tumor predisposition; Neoplastic Syndromes, Hereditary; Hereditary neoplastic syndrome; Hereditary Cancer Syndrome. Identifiers: Orphanet 140162, MedGen C0027672, MeSH D009386, MONDO:0015356.

Submissions (3):

Labcorp Genetics (formerly Invitae), Labcorp
Classification: Likely benign. Last evaluated: 2025-01-13. Review status: criteria provided, single submitter. Criteria: Invitae Variant Classification Sherloc (09022015). Collection method: clinical testing. Allele origin: germline.

Ambry Genetics
Classification: Likely benign for Hereditary cancer-predisposing syndrome. Last evaluated: 2024-08-22. Review status: criteria provided, single submitter. Criteria: Ambry Variant Classification Scheme 2023. Collection method: clinical testing. Allele origin: germline.

GeneDx
Classification: Uncertain significance. Last evaluated: 2023-10-31. Review status: criteria provided, single submitter. Criteria: GeneDx Variant Classification Process June 2021. Collection method: clinical testing. Allele origin: germline. Affected: yes.
Comment: Not observed at significant frequency in large population cohorts (gnomAD); In silico analysis supports that this variant does not alter splicing; Has not been previously published as pathogenic or benign to our knowledge

NM_002439.5(MSH3):c.1821G>A (p.Val607=)

Gene: MSH3 (mutS homolog 3; plus strand). Cytogenetic location: 5q14.1.
Variant type: single nucleotide variant.
Coding change: c.1821G>A on transcript NM_002439.5 (MANE Select); coding-DNA position 1821, G replaced by A.
Protein change: p.Val607=; no amino-acid change (valine 607 retained).
Molecular consequence: synonymous variant.
Genome position (GRCh38, 1-based): chr5:80,761,603, G>A. VCF-style: chr5-80761603-G-A. GRCh37 (hg19) VCF-style: chr5-80057422-G-A.
Other names: c.1821G>A (NM_002439.3).
Identifiers: ClinVar variation 3363694 (VCV003363694.4).